The following is an entry in ClinVar:

ClinVar aggregate classification (germline): Uncertain significance (1 of 4 stars; one submission).

Conditions:
Alpha-methylacyl-CoA racemase deficiency (AMACRD). Also called: AMACR deficiency. Identifiers: Orphanet 79095, MedGen C3280428, MONDO:0013681, OMIM 614307. Disease mechanism: loss of function.

Allele frequency attached by ClinVar (database versions not stated): ExAC 0.00001; gnomAD exomes 0.00001 and 0.00002; gnomAD 0.00003 and 0.00004; TOPMed 0.00003; ESP Exome Variant Server 0.00008.
gnomAD v4.1: 53 of 1,614,050 alleles (0.0033%); highest among the groups gnomAD compares: African/African-American, 0.028%; 2 homozygotes.

Submission:

Labcorp Genetics (formerly Invitae), Labcorp
Classification: Uncertain significance for Alpha-methylacyl-CoA racemase deficiency. Last evaluated: 2023-12-06. Review status: criteria provided, single submitter. Criteria: Invitae Variant Classification Sherloc (09022015). Collection method: clinical testing. Allele origin: germline.
Comment: This sequence change replaces phenylalanine, which is neutral and non-polar, with tyrosine, which is neutral and polar, at codon 315 of the AMACR protein (p.Phe315Tyr). This variant is present in population databases (rs113361629, gnomAD 0.02%). This variant has not been reported in the literature in individuals affected with AMACR-related conditions. ClinVar contains an entry for this variant (Variation ID: 1387212). Advanced modeling of protein sequence and biophysical properties (such as structural, functional, and spatial information, amino acid conservation, physicochemical variation, residue mobility, and thermodynamic stability) performed at Invitae indicates that this missense variant is not expected to disrupt AMACR protein function with a negative predictive value of 80%. In summary, the available evidence is currently insufficient to determine the role of this variant in disease. Therefore, it has been classified as a Variant of Uncertain Significance.

NM_014324.6(AMACR):c.944T>A (p.Phe315Tyr)

Genes: AMACR (alpha-methylacyl-CoA racemase; minus strand), C1QTNF3-AMACR (C1QTNF3-AMACR readthrough (NMD candidate); minus strand). Cytogenetic location: 5p13.2.
Variant type: single nucleotide variant.
Coding change: c.944T>A on transcript NM_014324.6 (MANE Select); coding-DNA position 944, T replaced by A.
Protein change: p.Phe315Tyr; replaces phenylalanine 315 with tyrosine.
Molecular consequence: missense variant. On other transcripts: non-coding transcript variant (1), 3 prime UTR variant (1).
Genome position (GRCh38, 1-based): chr5:33,989,298, A>T on the plus strand (T>A on the coding strand, the complement: AMACR is on the minus strand). VCF-style: chr5-33989298-A-T. GRCh37 (hg19) VCF-style: chr5-33989403-A-T.
Other names: c.944T>A, p.Phe315Tyr (NM_001167595.2); c.*186T>A (NM_203382.3); short protein forms F315Y.
Identifiers: ClinVar variation 1387212 (VCV001387212.4), dbSNP rs113361629, ClinGen allele CA3225991.